The following is an entry in ClinVar:

ClinVar aggregate classification (germline): Pathogenic (1 of 4 stars; one submission).

Conditions:
Familial hemophagocytic lymphohistiocytosis 3 (FHL3). Also called: UNC13D-Related Familial Hemophagocytic Lymphohistiocytosis (UNC13D-fHLH). Identifiers: Orphanet 540, MedGen C1837174, MONDO:0012146, OMIM 608898.

Submission:

Labcorp Genetics (formerly Invitae), Labcorp
Classification: Pathogenic for Familial hemophagocytic lymphohistiocytosis 3. Last evaluated: 2023-06-19. Review status: criteria provided, single submitter. Criteria: Invitae Variant Classification Sherloc (09022015). Collection method: clinical testing. Allele origin: unknown.
Comment: For these reasons, this variant has been classified as Pathogenic. This variant has not been reported in the literature in individuals affected with UNC13D-related conditions. This variant is a gross deletion of the genomic region encompassing exon(s) 1-4 of the UNC13D gene, which includes the initiator codon. This deletion extends beyond the assayed region for this gene and therefore may encompass additional genes. It is expected to result in an absent or disrupted protein product. Loss-of-function variants in UNC13D are known to be pathogenic (PMID: 14622600).

Literature cited by the submitters: PubMed 14622600.

NC_000017.10:g.(?_73839091)_(73841319_?)del

Gene: UNC13D (unc-13 homolog D; minus strand). Cytogenetic location: 17q25.1.
Variant type: Deletion.
Identifiers: ClinVar variation 3243033 (VCV003243033.1).